The following is an entry in ClinVar:

ClinVar aggregate classification (germline): Uncertain significance (1 of 4 stars; one submission).

Conditions:
Hereditary cancer-predisposing syndrome. Also called: Tumor predisposition; Hereditary neoplastic syndrome; Hereditary Cancer Syndrome; Neoplastic Syndromes, Hereditary. Identifiers: Orphanet 140162, MedGen C0027672, MeSH D009386, MONDO:0015356.

Submission:

Color Diagnostics, LLC DBA Color Health
Classification: Uncertain significance for Hereditary cancer-predisposing syndrome. Last evaluated: 2024-03-07. Review status: criteria provided, single submitter. Criteria: ACMG Guidelines, 2015. Collection method: clinical testing. Allele origin: germline.
Comment: This missense variant replaces glutamic acid with aspartic acid at codon 451 of the BMPR1A protein. Computational prediction is inconclusive regarding the impact of this variant on protein structure and function (internally defined REVEL score threshold 0.5 < inconclusive < 0.7, PMID: 27666373). To our knowledge, functional studies have not been reported for this variant. This variant has not been reported in individuals affected with hereditary cancer in the literature. This variant has not been identified in the general population by the Genome Aggregation Database (gnomAD). The available evidence is insufficient to determine the role of this variant in disease conclusively. Therefore, this variant is classified as a Variant of Uncertain Significance.

NM_004329.3(BMPR1A):c.1353A>C (p.Glu451Asp)

Gene: BMPR1A (bone morphogenetic protein receptor type 1A; plus strand). Cytogenetic location: 10q23.2.
Variant type: single nucleotide variant.
Coding change: c.1353A>C on transcript NM_004329.3 (MANE Select); coding-DNA position 1353, A replaced by C.
Protein change: p.Glu451Asp; replaces glutamic acid 451 with aspartic acid.
Molecular consequence: missense variant.
Genome position (GRCh38, 1-based): chr10:86,923,386, A>C. VCF-style: chr10-86923386-A-C. GRCh37 (hg19) VCF-style: chr10-88683143-A-C.
Other names: short protein forms E451D.
Identifiers: ClinVar variation 1171709 (VCV001171709.3), dbSNP rs760571361, ClinGen allele CA377462644.